The following is an entry in ClinVar:

NM_000093.5(COL5A1):c.5097C>G (p.Asn1699Lys)

Genes: COL5A1 (collagen type V alpha 1 chain; plus strand), LOC101448202 (uncharacterized LOC101448202; minus strand). Cytogenetic location: 9q34.3.
Variant type: single nucleotide variant.
Coding change: c.5097C>G on transcript NM_000093.5 (MANE Select); coding-DNA position 5097, C replaced by G.
Protein change: p.Asn1699Lys; replaces asparagine 1699 with lysine.
Molecular consequence: missense variant. On other transcripts: intron variant (1).
Genome position (GRCh38, 1-based): chr9:134,830,005, C>G. VCF-style: chr9-134830005-C-G. GRCh37 (hg19) VCF-style: chr9-137721851-C-G.
Other names: p.N1699K:AAC>AAG; p.Asn1699Lys; c.5068-103C>G (NM_001278074.1); short protein forms N1699K.
Identifiers: ClinVar variation 212997 (VCV000212997.64), dbSNP rs138396959, ClinGen allele CA322823.

ClinVar aggregate classification (germline): Conflicting classifications of pathogenicity. Review status: criteria provided, conflicting classifications (1 of 4 stars). 8 submissions from 8 submitters: Uncertain significance (3); Benign (1); Likely benign (4). Last evaluated 2025-12-29.

Conditions:
Ehlers-Danlos syndrome, classic type, 1 (EDSCL1). Also called: EHLERS-DANLOS SYNDROME, GRAVIS TYPE; EHLERS-DANLOS SYNDROME, SEVERE CLASSIC TYPE; Ehlers-Danlos syndrome, type 1; Ehlers-Danlos Syndrome, Classic Type, COL5A1-Related; EDS I. Identifiers: MedGen C0268335, MONDO:0019567, OMIM 130000.
Familial thoracic aortic aneurysm and aortic dissection (TAAD). Also called: Thoracic aortic aneurysms and dissections. Identifiers: Orphanet 91387, MedGen C4707243, MONDO:0019625.

Allele frequency attached by ClinVar (database versions not stated): ExAC 0.00003; gnomAD exomes 0.00003 and 0.00005; TOPMed 0.00005; gnomAD 0.00009; ESP Exome Variant Server 0.00015.
gnomAD v4.1: 83 of 1,613,820 alleles (0.0051%); highest among the groups gnomAD compares: Non-Finnish European, 0.0069%; no homozygotes.

Submissions (8):

Labcorp Genetics (formerly Invitae), Labcorp
Classification: Benign for Ehlers-Danlos syndrome, classic type, 1. Last evaluated: 2025-12-29. Review status: criteria provided, single submitter. Criteria: Invitae Variant Classification Sherloc (09022015). Collection method: clinical testing. Allele origin: germline.

Ambry Genetics
Classification: Likely benign for Familial thoracic aortic aneurysm and aortic dissection. Last evaluated: 2025-01-27. Review status: criteria provided, single submitter. Criteria: Ambry Variant Classification Scheme 2023. Collection method: clinical testing. Allele origin: germline.

Mayo Clinic Laboratories, Mayo Clinic
Classification: Likely benign. Last evaluated: 2025-01-27. Review status: criteria provided, single submitter. Criteria: ACMG Guidelines, 2015. Collection method: clinical testing. Allele origin: germline. Observed: 1 variant allele.
Comment: BS1, BP4_moderate

GeneDx
Classification: Uncertain significance. Last evaluated: 2024-09-12. Review status: criteria provided, single submitter. Criteria: GeneDx Variant Classification Process June 2021. Collection method: clinical testing. Allele origin: germline. Affected: yes.
Comment: Has not been previously published as pathogenic or benign to our knowledge; In silico analysis indicates that this missense variant does not alter protein structure/function; Not located in the triple helical region, where the majority of pathogenic missense variants occur (PMID: 22696272; HGMD); This variant is associated with the following publications: (PMID: 22696272)

Women's Health and Genetics/Laboratory Corporation of America, LabCorp
Classification: Likely benign. Last evaluated: 2024-07-23. Review status: criteria provided, single submitter. Criteria: LabCorp Variant Classification Summary - May 2015. Collection method: clinical testing. Allele origin: germline.
Comment: Variant summary: COL5A1 c.5097C>G (p.Asn1699Lys) results in a non-conservative amino acid change located in the Fibrillar collagen, C-terminal domain (IPR000885) of the encoded protein sequence. Three of five in-silico tools predict a benign effect of the variant on protein function. The variant allele was found at a frequency of 5.1e-05 in 1613820 control chromosomes, predominantly at a frequency of 6.9e-05 within the Non-Finnish European subpopulation in the gnomAD database. The observed variant frequency within Non-Finnish European control individuals in the gnomAD database is approximately 2.21 fold of the estimated maximal expected allele frequency for a pathogenic variant in COL5A1 causing Ehlers-Danlos Syndrome phenotype (3.1e-05). To our knowledge, no occurrence of c.5097C>G in individuals affected with Ehlers-Danlos Syndrome and no experimental evidence demonstrating its impact on protein function have been reported. ClinVar contains an entry for this variant (Variation ID: 212997). Based on the evidence outlined above, the variant was classified as likely benign.

ARUP Laboratories, Molecular Genetics and Genomics, ARUP Laboratories
Classification: Uncertain significance. Last evaluated: 2023-04-17. Review status: criteria provided, single submitter. Criteria: ARUP Molecular Germline Variant Investigation Process 2024. Collection method: clinical testing. Allele origin: germline.
Comment: The COL5A1 c.5097C>G; p.Asn1699Lys variant (rs138396959), to our knowledge, is not reported in the medical literature but is reported in ClinVar (Variation ID: 212997). This variant is found in the general population with an overall allele frequency of 0.0039% (11/282412 alleles) in the Genome Aggregation Database. Computational analyses predict that this variant is neutral (REVEL: 0.095). Due to limited information, the clinical significance of this variant is uncertain at this time.

Blueprint Genetics
Classification: Likely benign. Last evaluated: 2021-09-15. Review status: criteria provided, single submitter. Criteria: ACMG Guidelines, 2015. Collection method: clinical testing. Allele origin: germline.

CeGaT Center for Human Genetics Tuebingen
Classification: Uncertain significance. Last evaluated: 2018-08-01. Review status: criteria provided, single submitter. Criteria: CeGaT Center For Human Genetics Tuebingen Variant Classification Criteria Version 2. Collection method: clinical testing. Allele origin: germline. Affected: yes. Observed: 1 variant allele.